The following is an entry in ClinVar:

ClinVar aggregate classification (germline): Uncertain significance. Review status: criteria provided, multiple submitters, no conflicts (2 of 4 stars). 2 submissions from 2 submitters: Uncertain significance (2). Last evaluated 2026-07-17.

Conditions:
Hereditary cancer-predisposing syndrome. Also called: Neoplastic Syndromes, Hereditary; Tumor predisposition; Hereditary Cancer Syndrome; Hereditary neoplastic syndrome. Identifiers: Orphanet 140162, MedGen C0027672, MeSH D009386, MONDO:0015356.

gnomAD v4.1: 3 of 1,614,234 alleles (0.00019%); highest among the groups gnomAD compares: South Asian, 0.0022%; no homozygotes.

Submissions (2):

Ambry Genetics
Classification: Uncertain significance for Hereditary cancer-predisposing syndrome. Last evaluated: 2026-07-17. Review status: criteria provided, single submitter. Criteria: Ambry Variant Classification Scheme 2023. Collection method: clinical testing. Allele origin: germline.
Comment: The p.V21M variant (also known as c.61G>A), located in coding exon 1 of the TSC1 gene, results from a G to A substitution at nucleotide position 61. The valine at codon 21 is replaced by methionine, an amino acid with highly similar properties. This nucleotide position is well conserved in available vertebrate species. This amino acid position is well conserved in available vertebrate species. In silico splice site analysis predicts that this alteration will result in the creation or strengthening of a novel splice donor site. RNA studies have demonstrated that this variant results in an incomplete splice defect; the clinical impact of this abnormal splicing is unknown at this time (Ambry internal data). In addition, as a missense, the in silico prediction for this alteration is inconclusive. Based on the available evidence, the clinical significance of this variant remains unclear.

Blueprint Genetics
Classification: Uncertain significance. Last evaluated: 2018-01-12. Review status: criteria provided, single submitter. Criteria: ACMG Guidelines, 2015. Collection method: clinical testing. Allele origin: germline.

NM_000368.5(TSC1):c.61G>A (p.Val21Met)

Gene: TSC1 (TSC complex subunit 1; minus strand). Cytogenetic location: 9q34.13.
Variant type: single nucleotide variant.
Coding change: c.61G>A on transcript NM_000368.5 (MANE Select); coding-DNA position 61, G replaced by A.
Protein change: p.Val21Met; replaces valine 21 with methionine.
Molecular consequence: missense variant. On other transcripts: 5 prime UTR variant (16), non-coding transcript variant (5), intron variant (2).
Genome position (GRCh38, 1-based): chr9:132,928,812, C>T on the plus strand (G>A on the coding strand, the complement: TSC1 is on the minus strand). VCF-style: chr9-132928812-C-T. GRCh37 (hg19) VCF-style: chr9-135804199-C-T.
Other names: c.61G>A, p.Val21Met (NM_001162426.2, NM_001162427.2, NM_001406592.1 and 21 more transcripts); c.-199G>A (NM_001362177.2, NM_001406625.1, NM_001406617.1 and 3 more transcripts); c.-428G>A (NM_001406623.1, NM_001406615.1); c.-395G>A (NM_001406624.1, NM_001406616.1); c.-817G>A (NM_001406626.1, NM_001406627.1, NM_001406628.1); c.-959G>A (NM_001406629.1); c.-1033G>A (NM_001406630.1); c.-153-3073G>A (NM_001406620.1, NM_001406618.1); and 1 more; short protein forms V21M.
Identifiers: ClinVar variation 4840858 (VCV004840858.3).